The following is an entry in ClinVar:

NM_000465.4(BARD1):c.1565C>T (p.Ala522Val)

Gene: BARD1 (BRCA1 associated RING domain 1; minus strand). Cytogenetic location: 2q35.
Variant type: single nucleotide variant.
Coding change: c.1565C>T on transcript NM_000465.4 (MANE Select); coding-DNA position 1565, C replaced by T.
Protein change: p.Ala522Val; replaces alanine 522 with valine.
Molecular consequence: missense variant. On other transcripts: non-coding transcript variant (3), intron variant (3).
Genome position (GRCh38, 1-based): chr2:214,767,485, G>A on the plus strand (C>T on the coding strand, the complement: BARD1 is on the minus strand). VCF-style: chr2-214767485-G-A. GRCh37 (hg19) VCF-style: chr2-215632209-G-A.
Other names: c.1508C>T, p.Ala503Val (NM_001282543.2); c.159-14930C>T (NM_001282548.2); c.216-14930C>T (NM_001282545.2); c.364+24812C>T (NM_001282549.2); short protein forms A503V, A522V.
Identifiers: ClinVar variation 1775352 (VCV001775352.2), dbSNP rs2106076167, ClinGen allele CA350448085.

ClinVar aggregate classification (germline): Uncertain significance (1 of 4 stars; one submission).

Conditions:
Hereditary cancer-predisposing syndrome. Also called: Hereditary Cancer Syndrome; Hereditary neoplastic syndrome; Neoplastic Syndromes, Hereditary; Tumor predisposition. Identifiers: Orphanet 140162, MedGen C0027672, MeSH D009386, MONDO:0015356.

Submission:

Ambry Genetics
Classification: Uncertain significance for Hereditary cancer-predisposing syndrome. Last evaluated: 2020-07-23. Review status: criteria provided, single submitter. Criteria: Ambry Variant Classification Scheme 2023. Collection method: clinical testing. Allele origin: germline.
Comment: The p.A522V variant (also known as c.1565C>T), located in coding exon 6 of the BARD1 gene, results from a C to T substitution at nucleotide position 1565. The alanine at codon 522 is replaced by valine, an amino acid with similar properties. This amino acid position is not well conserved in available vertebrate species, and valine is the reference amino acid in other vertebrate species. In addition, this alteration is predicted to be tolerated by in silico analysis. Since supporting evidence is limited at this time, the clinical significance of this alteration remains unclear.